The following is an entry in ClinVar:

ClinVar aggregate classification (germline): Uncertain significance. Review status: criteria provided, multiple submitters, no conflicts (2 of 4 stars). 3 submissions from 3 submitters: Uncertain significance (3). Last evaluated 2023-07-07.

Conditions:
Autosomal recessive osteopetrosis 1. Also called: TCIRG1-Related Osteopetrosis; ALBERS-SCHONBERG DISEASE, AUTOSOMAL RECESSIVE; TCIRG1-Related Autosomal Recessive Osteopetrosis. Identifiers: Orphanet 667, MedGen C1850127, MONDO:0009815, OMIM 259700.

Allele frequency attached by ClinVar (database versions not stated): gnomAD exomes below 0.00001 and 0.00001; ExAC 0.00001.
gnomAD v4.1: 3 of 1,611,116 alleles (0.00019%); highest among the groups gnomAD compares: Middle Eastern, 0.017%; no homozygotes.

Submissions (3):

Labcorp Genetics (formerly Invitae), Labcorp
Classification: Uncertain significance. Last evaluated: 2023-07-07. Review status: criteria provided, single submitter. Criteria: Invitae Variant Classification Sherloc (09022015). Collection method: clinical testing. Allele origin: germline.
Comment: This sequence change replaces phenylalanine, which is neutral and non-polar, with serine, which is neutral and polar, at codon 219 of the TCIRG1 protein (p.Phe219Ser). The frequency data for this variant in the population databases is considered unreliable, as metrics indicate poor data quality at this position in the gnomAD database. This variant has not been reported in the literature in individuals affected with TCIRG1-related conditions. ClinVar contains an entry for this variant (Variation ID: 198537). Advanced modeling of protein sequence and biophysical properties (such as structural, functional, and spatial information, amino acid conservation, physicochemical variation, residue mobility, and thermodynamic stability) performed at Invitae indicates that this missense variant is expected to disrupt TCIRG1 protein function. In summary, the available evidence is currently insufficient to determine the role of this variant in disease. Therefore, it has been classified as a Variant of Uncertain Significance.

Fulgent Genetics
Classification: Uncertain significance for Autosomal recessive osteopetrosis 1. Last evaluated: 2021-10-11. Review status: criteria provided, single submitter. Criteria: ACMG Guidelines, 2015. Collection method: clinical testing. Allele origin: unknown.

Eurofins Ntd Llc (ga)
Classification: Uncertain significance. Last evaluated: 2014-12-11. Review status: criteria provided, single submitter. Criteria: EGL Classification Definitions 2015. Collection method: clinical testing. Allele origin: germline. Observed: 6 variant alleles, 5 heterozygotes, 1 homozygote.

NM_006019.4(TCIRG1):c.656T>C (p.Phe219Ser)

Gene: TCIRG1 (T cell immune regulator 1, ATPase H+ transporting V0 subunit a3; plus strand). Cytogenetic location: 11q13.2.
Variant type: single nucleotide variant.
Coding change: c.656T>C on transcript NM_006019.4 (MANE Select); coding-DNA position 656, T replaced by C.
Protein change: p.Phe219Ser; replaces phenylalanine 219 with serine.
Molecular consequence: missense variant. On other transcripts: 5 prime UTR variant (1).
Genome position (GRCh38, 1-based): chr11:68,043,596, T>C. VCF-style: chr11-68043596-T-C. GRCh37 (hg19) VCF-style: chr11-67811063-T-C.
Other names: c.-255T>C (NM_001351059.2); c.8T>C, p.Phe3Ser (NM_006053.4); short protein forms F219S, F3S.
Identifiers: ClinVar variation 198537 (VCV000198537.14), dbSNP rs748465503, ClinGen allele CA247241.
Genomic context (GRCh38, chr11:68,043,596, plus strand): 5'-GCGGGACCCCAGAGTCAGCTGAGCCTGCTCTGCAGGGCGAGCCAGCCACGTGGATGACCT[T>C]CCTCATCTCCTACTGGGGTGAGCAGATCGGACAGAAGATCCGCAAGATCACGGACTGGTG-3'
Protein context (NP_006010.2, residues 209-229): VTGEPATWMT[Phe219Ser]LISYWGEQIG